The following is an entry in ClinVar:

NM_001142800.2(EYS):c.14C>A (p.Ser5Ter)

Gene: EYS (EGF-like photoreceptor maintenance factor; minus strand). Cytogenetic location: 6q12.
Variant type: single nucleotide variant.
Coding change: c.14C>A on transcript NM_001142800.2 (MANE Select); coding-DNA position 14, C replaced by A.
Protein change: p.Ser5Ter; replaces serine 5 with a stop codon.
Molecular consequence: nonsense.
Genome position (GRCh38, 1-based): chr6:65,495,397, G>T on the plus strand (C>A on the coding strand, the complement: EYS is on the minus strand). VCF-style: chr6-65495397-G-T. GRCh37 (hg19) VCF-style: chr6-66205290-G-T.
Other names: c.14C>A, p.Ser5Ter (NM_001142801.2, NM_001292009.2, NM_198283.2); c.14C>A (NM_001142800.1); short protein forms S5*.
Identifiers: ClinVar variation 1402196 (VCV001402196.11), dbSNP rs745916400, ClinGen allele CA3878149.

ClinVar aggregate classification (germline): Pathogenic. Review status: criteria provided, multiple submitters, no conflicts (2 of 4 stars). 4 submissions from 4 submitters: Pathogenic (4). Last evaluated 2026-03-23.

Conditions:
Retinitis pigmentosa 25 (RP25). Identifiers: Orphanet 791, MedGen C1864446, MONDO:0011272, OMIM 602772.
Retinal disorder. Also called: Retinopathy; Retinal disorders; Retinopathies; Retinal Diseases. Identifiers: MedGen C0035309, MONDO:0005283, HP:0000488.

Allele frequency attached by ClinVar (database versions not stated): gnomAD exomes below 0.00001; ExAC 0.00001; gnomAD 0.00001.
gnomAD v4.1: 2 of 1,610,854 alleles (0.00012%); highest among the groups gnomAD compares: Admixed American, 0.0033%; no homozygotes.

Submissions (4):

Myriad Genetics, Inc.
Classification: Pathogenic for Retinitis pigmentosa 25. Last evaluated: 2026-03-23. Review status: criteria provided, single submitter. Criteria: Myriad Autosomal Dominant, Autosomal Recessive and X-Linked Classification Criteria (2023). Collection method: clinical testing. Allele origin: unknown.
Comment: NM_001142800.1(EYS):c.14C>A(S5*) is a nonsense variant classified as pathogenic in the context of retinitis pigmentosa, EYS-related. S5* has not been observed in cases with relevant disease. Relevant functional assessments of this variant are not available in the literature. S5* has been observed in referenced population frequency databases. In summary, NM_001142800.1(EYS):c.14C>A(S5*) is a nonsense variant in a gene where loss of function is a known mechanism of disease and is predicted to disrupt protein function. Please note: this variant was assessed in the context of healthy population screening.

Labcorp Genetics (formerly Invitae), Labcorp
Classification: Pathogenic. Last evaluated: 2025-03-17. Review status: criteria provided, single submitter. Criteria: Invitae Variant Classification Sherloc (09022015). Collection method: clinical testing. Allele origin: germline.
Comment: This sequence change creates a premature translational stop signal (p.Ser5*) in the EYS gene. It is expected to result in an absent or disrupted protein product. Loss-of-function variants in EYS are known to be pathogenic (PMID: 18836446, 20333770). This variant is present in population databases (rs745916400, gnomAD 0.003%). This premature translational stop signal has been observed in individual(s) with inherited retinal dystrophy (PMID: 30337596). ClinVar contains an entry for this variant (Variation ID: 1402196). For these reasons, this variant has been classified as Pathogenic.

Natera, Inc.
Classification: Pathogenic for Retinitis pigmentosa type 25. Last evaluated: 2024-08-13. Review status: criteria provided, single submitter. Criteria: Natera Variant Classification Schema (03/2026). Collection method: clinical testing. Allele origin: germline.
Comment: The c.14C>A variant in EYS is a nonsense variant predicted to introduce a stop codon at amino acid 5. This variant is expected to result in nonsense mediated decay, truncation, or a dysfunctional protein product. This variant is rare in the general population with a frequency below the threshold expected for the associated phenotype(s). This variant has been observed in one or more individuals affected with the associated recessive disease, as either homozygous or compound heterozygous with a second variant (PMID: 30337596). Given the available evidence, this variant is classified as Pathogenic.

AURAGEN, Plan France Médecine Génomique
Classification: Pathogenic for Retinal disorder. Last evaluated: 2022-06-13. Review status: criteria provided, single submitter. Criteria: PFMG2025 (Lancet Reg Health Eur. 2025). Collection method: clinical testing. Allele origin: germline. Affected: yes.

Literature cited by the submitters: PubMed 18836446 (cited by Labcorp Genetics (formerly Invitae), Labcorp); PubMed 20333770 (cited by Labcorp Genetics (formerly Invitae), Labcorp); PubMed 30337596 (cited by Labcorp Genetics (formerly Invitae), Labcorp and Natera, Inc.).